The following is an entry in ClinVar:

ClinVar aggregate classification (germline): Uncertain significance (1 of 4 stars; one submission).

Conditions:
Neurofibromatosis, type 1 (NF1). Also called: VON RECKLINGHAUSEN DISEASE; Neurofibromatosis, type I; Peripheral type neurofibromatosis; NEUROFIBROMATOSIS, TYPE I, SOMATIC. Identifiers: Orphanet 636, MedGen C0027831, MONDO:0018975, OMIM 162200. Disease mechanism: loss of function.

Submission:

Labcorp Genetics (formerly Invitae), Labcorp
Classification: Uncertain significance for Neurofibromatosis, type 1. Last evaluated: 2023-05-11. Review status: criteria provided, single submitter. Criteria: Invitae Variant Classification Sherloc (09022015). Collection method: clinical testing. Allele origin: germline.
Comment: This sequence change replaces glutamic acid, which is acidic and polar, with aspartic acid, which is acidic and polar, at codon 1559 of the NF1 protein (p.Glu1559Asp). This variant is not present in population databases (gnomAD no frequency). This variant has not been reported in the literature in individuals affected with NF1-related conditions. Advanced modeling of protein sequence and biophysical properties (such as structural, functional, and spatial information, amino acid conservation, physicochemical variation, residue mobility, and thermodynamic stability) performed at Invitae indicates that this missense variant is not expected to disrupt NF1 protein function. In summary, the available evidence is currently insufficient to determine the role of this variant in disease. Therefore, it has been classified as a Variant of Uncertain Significance.

NM_001042492.3(NF1):c.4740A>T (p.Glu1580Asp)

Gene: NF1 (neurofibromin 1; plus strand). Cytogenetic location: 17q11.2.
Variant type: single nucleotide variant.
Coding change: c.4740A>T on transcript NM_001042492.3 (MANE Select); coding-DNA position 4740, A replaced by T.
Protein change: p.Glu1580Asp; replaces glutamic acid 1580 with aspartic acid.
Molecular consequence: missense variant.
Genome position (GRCh38, 1-based): chr17:31,265,244, A>T. VCF-style: chr17-31265244-A-T. GRCh37 (hg19) VCF-style: chr17-29592262-A-T.
Other names: c.4677A>T, p.Glu1559Asp (NM_000267.4); short protein forms E1559D, E1580D.
Identifiers: ClinVar variation 2857665 (VCV002857665.3), dbSNP rs2508444942, ClinGen allele CA399001178.
Genomic context (GRCh38, chr17:31,265,244, plus strand): 5'-TAGACAACATAAAGCCTCATAATTACTCTGTTATTTTTCTTTTAGGCATCAGGTACATGA[A>T]AAAGAAGAATTCAAGGCTTTGAAAACGTTAAGTATTTTCTACCAAGCTGGGACTTCCAAA-3'
Protein context (NP_001035957.1, residues 1570-1590): EEFMTRHQVH[Glu1580Asp]KEEFKALKTL